The following is an entry in ClinVar:

NM_198334.3(GANAB):c.560+469C>T

Gene: GANAB (glucosidase II alpha subunit; minus strand). Cytogenetic location: 11q12.3.
Variant type: single nucleotide variant.
Coding change: c.560+469C>T on transcript NM_198334.3 (MANE Select); 469 bases into the intron after coding-DNA position 560, C replaced by T.
Molecular consequence: intron variant. On other transcripts: missense variant (2).
Genome position (GRCh38, 1-based): chr11:62,634,352, G>A on the plus strand (C>T on the coding strand, the complement: GANAB is on the minus strand). VCF-style: chr11-62634352-G-A. GRCh37 (hg19) VCF-style: chr11-62401824-G-A.
Other names: c.242C>T, p.Thr81Met (NM_001278192.2); c.584C>T, p.Thr195Met (NM_198335.4); c.218+469C>T (NM_001278193.2); c.269+469C>T (NM_001329223.2, NM_001278194.2, NM_001329222.2); c.-217+469C>T (NM_001329225.2, NM_001329224.2); c.584C>T (NM_198335.2); short protein forms T195M, T81M.
Identifiers: ClinVar variation 1049962 (VCV001049962.5), dbSNP rs777394229, ClinGen allele CA6051043.

ClinVar aggregate classification (germline): Uncertain significance. Review status: criteria provided, multiple submitters, no conflicts (2 of 4 stars). 3 submissions from 3 submitters: Uncertain significance (2). 1 of the submissions does not count toward it. Last evaluated 2022-08-17.

Conditions:
Inborn genetic diseases. Identifiers: MedGen C0950123, MeSH D030342.
Polycystic kidney disease 3 with or without polycystic liver disease. Also called: Polycystic kidney disease 3; Polycystic Kidney and/or Polycystic Liver Disease 3; POLYCYSTIC KIDNEY DISEASE, ADULT, TYPE III. Identifiers: MedGen C3887964, MONDO:0010916, OMIM 600666.

Allele frequency attached by ClinVar (database versions not stated): ExAC 0.00001; gnomAD exomes 0.00002.
gnomAD v4.1: 30 of 1,611,676 alleles (0.0019%); highest among the groups gnomAD compares: South Asian, 0.0033%; no homozygotes.

Submissions (3):

Ambry Genetics
Classification: Uncertain significance for Inborn genetic diseases. Last evaluated: 2022-08-17. Review status: criteria provided, single submitter. Criteria: Ambry Variant Classification Scheme 2023. Collection method: clinical testing. Allele origin: germline.

Fulgent Genetics
Classification: Uncertain significance for Polycystic kidney disease 3 with or without polycystic liver disease. Last evaluated: 2021-10-06. Review status: criteria provided, single submitter. Criteria: ACMG Guidelines, 2015. Collection method: clinical testing. Allele origin: unknown.

Department of Pathology and Laboratory Medicine, Sinai Health System
Classification: Uncertain significance. Review status: no assertion criteria provided. Collection method: clinical testing. Allele origin: unknown. Affected: yes. Study: The Canadian Open Genetics Repository (COGR). Not counted in ClinVar's aggregate classification.
Comment: The GANAB p.Thr81Met variant was not identified in the literature nor was it identified in ClinVar or LOVD 3.0. The variant was identified in dbSNP (ID: rs777394229) and in control databases in 5 of 249568 chromosomes at a frequency of 0.00002003 (Genome Aggregation Database March 6, 2019, v2.1.1). The variant was observed in the following populations: South Asian in 2 of 30602 chromosomes (freq: 0.000065) and European (non-Finnish) in 3 of 113288 chromosomes (freq: 0.000026), but was not observed in the African, Latino, Ashkenazi Jewish, East Asian, European (Finnish), or Other populations. The p.Thr81 residue is conserved in mammals and computational analyses (PolyPhen-2, SIFT, AlignGVGD, BLOSUM, MutationTaster) provide inconsistent predictions regarding the impact to the protein; this information is not very predictive of pathogenicity. The variant occurs outside of the splicing consensus sequence and three of four in silico or computational prediction software programs (SpliceSiteFinder, MaxEntScan, NNSPLICE, GeneSplicer) do not predict a greater than 10% difference in splicing; this is not very predictive of pathogenicity. In summary, based on the above information the clinical significance of this variant cannot be determined with certainty at this time. This variant is classified as a variant of uncertain significance.